The following is an entry in ClinVar:

NM_020800.3(IFT80):c.1229C>A (p.Pro410His)

Genes: IFT80 (intraflagellar transport 80; minus strand), TRIM59-IFT80 (TRIM59-IFT80 readthrough (NMD candidate); minus strand). Cytogenetic location: 3q25.33.
Variant type: single nucleotide variant.
Coding change: c.1229C>A on transcript NM_020800.3 (MANE Select); coding-DNA position 1229, C replaced by A.
Protein change: p.Pro410His; replaces proline 410 with histidine.
Molecular consequence: missense variant. On other transcripts: non-coding transcript variant (3).
Genome position (GRCh38, 1-based): chr3:160,300,969, G>T on the plus strand (C>A on the coding strand, the complement: IFT80 is on the minus strand). VCF-style: chr3-160300969-G-T. GRCh37 (hg19) VCF-style: chr3-160018757-G-T.
Other names: c.818C>A, p.Pro273His (NM_001190241.2, NM_001190242.2); short protein forms P273H, P410H.
Identifiers: ClinVar variation 1061745 (VCV001061745.9), dbSNP rs148396265, ClinGen allele CA355193662.
Genomic context (GRCh38, chr3:160,300,969, plus strand): 5'-GCTATGGTATCATTACTCAAAGACACAGTCTGTGCATTCAGAATATCTGTTCTCATTCCA[G>T]GAAATTTTGGAGATGAAATAAAGCGCCCTTCATATGAATATAAATAGATACTACTACCAT-3'
Protein context (NP_065851.1, residues 400-420): EGRFISSPKF[Pro410His]GMRTDILNAQ

ClinVar aggregate classification (germline): Uncertain significance (1 of 4 stars; one submission).

Conditions:
Jeune thoracic dystrophy. Also called: Jeune syndrome; Infantile thoracic dystrophy; Thoracic pelvic phalangeal dystrophy; Jeune's syndrome; Chondroectodermal dysplasia-like syndrome; Short-rib thoracic dysplasia. Identifiers: Orphanet 474, MedGen C0265275, MONDO:0018770.

gnomAD v4.1: 1 of 1,609,510 alleles (0.000062%); highest among the groups gnomAD compares: Non-Finnish European, 0.000085%; no homozygotes.

Submission:

Labcorp Genetics (formerly Invitae), Labcorp
Classification: Uncertain significance for Jeune thoracic dystrophy. Last evaluated: 2022-08-16. Review status: criteria provided, single submitter. Criteria: Invitae Variant Classification Sherloc (09022015). Collection method: clinical testing. Allele origin: germline.
Comment: In summary, the available evidence is currently insufficient to determine the role of this variant in disease. Therefore, it has been classified as a Variant of Uncertain Significance. Algorithms developed to predict the effect of missense changes on protein structure and function are either unavailable or do not agree on the potential impact of this missense change (SIFT: "Deleterious"; PolyPhen-2: "Possibly Damaging"; Align-GVGD: "Class C0"). This sequence change replaces proline, which is neutral and non-polar, with histidine, which is basic and polar, at codon 410 of the IFT80 protein (p.Pro410His). This variant is not present in population databases (gnomAD no frequency). This variant has not been reported in the literature in individuals affected with IFT80-related conditions. ClinVar contains an entry for this variant (Variation ID: 1061745).